The following is an entry in ClinVar:

NM_004168.4(SDHA):c.1715T>C (p.Met572Thr)

Gene: SDHA (succinate dehydrogenase complex flavoprotein subunit A; plus strand). Cytogenetic location: 5p15.33.
Variant type: single nucleotide variant.
Coding change: c.1715T>C on transcript NM_004168.4 (MANE Select); coding-DNA position 1715, T replaced by C.
Protein change: p.Met572Thr; replaces methionine 572 with threonine.
Molecular consequence: missense variant. On other transcripts: intron variant (1).
Genome position (GRCh38, 1-based): chr5:251,389, T>C. VCF-style: chr5-251389-T-C. GRCh37 (hg19) VCF-style: chr5-251504-T-C.
Other names: c.1715T>C (NM_004168.2); c.1571T>C, p.Met524Thr (NM_001294332.2); c.1552-3004T>C (NM_001330758.2); short protein forms M524T, M572T.
Identifiers: ClinVar variation 1060851 (VCV001060851.10), dbSNP rs1554001925, ClinGen allele CA359000077.

ClinVar aggregate classification (germline): Uncertain significance. Review status: criteria provided, multiple submitters, no conflicts (2 of 4 stars). 2 submissions from 2 submitters: Uncertain significance (2). Last evaluated 2025-08-17.

Conditions:
Mitochondrial complex II deficiency, nuclear type 1. Also called: SUCCINATE CoQ REDUCTASE DEFICIENCY. Identifiers: Orphanet 3208, MedGen C5700310, MONDO:0100294, OMIM 252011.
Pheochromocytoma/paraganglioma syndrome 5. Also called: Paragangliomas 5; SDHA-Related Hereditary Paraganglioma-Pheochromocytoma Syndrome. Identifiers: Orphanet 29072, MedGen C3279992, MONDO:0013602, OMIM 614165.
Hereditary cancer-predisposing syndrome. Also called: Tumor predisposition; Hereditary neoplastic syndrome; Neoplastic Syndromes, Hereditary; Hereditary Cancer Syndrome. Identifiers: Orphanet 140162, MedGen C0027672, MeSH D009386, MONDO:0015356.

Submissions (2):

Labcorp Genetics (formerly Invitae), Labcorp
Classification: Uncertain significance for Pheochromocytoma/paraganglioma syndrome 5; Mitochondrial complex II deficiency, nuclear type 1. Last evaluated: 2025-08-17. Review status: criteria provided, single submitter. Criteria: Invitae Variant Classification Sherloc (09022015). Collection method: clinical testing. Allele origin: germline.
Comment: This sequence change replaces methionine, which is neutral and non-polar, with threonine, which is neutral and polar, at codon 572 of the SDHA protein (p.Met572Thr). This variant is not present in population databases (gnomAD no frequency). This variant has not been reported in the literature in individuals affected with SDHA-related conditions. ClinVar contains an entry for this variant (Variation ID: 1060851). Invitae Evidence Modeling of protein sequence and biophysical properties (such as structural, functional, and spatial information, amino acid conservation, physicochemical variation, residue mobility, and thermodynamic stability) has been performed for this missense variant. However, the output from this modeling did not meet the statistical confidence thresholds required to predict the impact of this variant on SDHA protein function. In summary, the available evidence is currently insufficient to determine the role of this variant in disease. Therefore, it has been classified as a Variant of Uncertain Significance.

Ambry Genetics
Classification: Uncertain significance for Hereditary cancer-predisposing syndrome. Last evaluated: 2022-12-05. Review status: criteria provided, single submitter. Criteria: Ambry Variant Classification Scheme 2023. Collection method: clinical testing. Allele origin: germline.
Comment: The p.M572T variant (also known as c.1715T>C), located in coding exon 13 of the SDHA gene, results from a T to C substitution at nucleotide position 1715. The methionine at codon 572 is replaced by threonine, an amino acid with similar properties. This amino acid position is conserved. In addition, this alteration is predicted to be deleterious by in silico analysis. Since supporting evidence is limited at this time, the clinical significance of this alteration remains unclear.